The following is an entry in ClinVar:

ClinVar aggregate classification (germline): Benign/Likely benign. Review status: criteria provided, multiple submitters, no conflicts (2 of 4 stars). 4 submissions from 4 submitters: Benign (1); Likely benign (2). 1 of the submissions does not count toward it. Last evaluated 2026-09-01.

Conditions:
TRIO-related disorder. Also called: TRIO-related condition; TRIO-related disorders.

Allele frequency attached by ClinVar (database versions not stated): gnomAD exomes 0.00023 and 0.00092; 1000 Genomes Project 0.00200; gnomAD 0.00217 and 0.00234; TOPMed 0.00226; 1000 Genomes Project 30x 0.00234.
gnomAD v4.1: 533 of 845,782 alleles (0.063%); highest among the groups gnomAD compares: African/African-American, 0.73%; 3 homozygotes.

Submissions (4):

CeGaT Center for Human Genetics Tuebingen
Classification: Likely benign. Last evaluated: 2026-09-01. Review status: criteria provided, single submitter. Criteria: CeGaT Center For Human Genetics Tuebingen Variant Classification Criteria Version 2. Collection method: clinical testing. Allele origin: germline. Affected: yes. Observed: 5 variant alleles.
Comment: TRIO: BP4, BP7

GeneDx
Classification: Likely benign. Last evaluated: 2020-08-03. Review status: criteria provided, single submitter. Criteria: GeneDx Variant Classification Process June 2021. Collection method: clinical testing. Allele origin: germline. Affected: yes.

Labcorp Genetics (formerly Invitae), Labcorp
Classification: Benign. Last evaluated: 2019-12-31. Review status: criteria provided, single submitter. Criteria: Invitae Variant Classification Sherloc (09022015). Collection method: clinical testing. Allele origin: germline.

PreventionGenetics, part of Exact Sciences
Classification: Likely benign for TRIO-related condition. Last evaluated: 2024-02-02. Review status: no assertion criteria provided. Collection method: clinical testing. Allele origin: germline. Not counted in ClinVar's aggregate classification.
Comment: This variant is classified as likely benign based on ACMG/AMP sequence variant interpretation guidelines (Richards et al. 2015 PMID: 25741868, with internal and published modifications).

NM_007118.4(TRIO):c.6888C>T (p.Gly2296=)

Gene: TRIO (trio Rho guanine nucleotide exchange factor; plus strand). Cytogenetic location: 5p15.2.
Variant type: single nucleotide variant.
Coding change: c.6888C>T on transcript NM_007118.4 (MANE Select); coding-DNA position 6888, C replaced by T.
Protein change: p.Gly2296=; no amino-acid change (glycine 2296 retained).
Molecular consequence: synonymous variant. On other transcripts: non-coding transcript variant (1).
Genome position (GRCh38, 1-based): chr5:14,487,516, C>T. VCF-style: chr5-14487516-C-T. GRCh37 (hg19) VCF-style: chr5-14487625-C-T.
Identifiers: ClinVar variation 786528 (VCV000786528.31), dbSNP rs200735300, ClinGen allele CA3207285.